The following is an entry in ClinVar:

NM_001165963.4(SCN1A):c.4003-11_4036del

Genes: SCN1A (sodium voltage-gated channel alpha subunit 1; minus strand), LOC102724058 (uncharacterized LOC102724058; plus strand). Cytogenetic location: 2q24.3.
Variant type: Deletion.
Coding change: c.4003-11_4036del on transcript NM_001165963.4 (MANE Select); 11 bases into the intron before coding-DNA position 4003 through coding-DNA position 4036, 45 bases deleted.
Molecular consequence: splice acceptor variant.
Genome position (GRCh38, 1-based): chr2:166,002,720-166,002,764, 45 bases deleted; deleting any 45 consecutive bases within chr2:166,002,720-166,002,770 gives the same sequence; the c. name uses the placement nearest the transcript's 3' end. GRCh37 (hg19): chr2:166,859,236-166,859,280.
Other names: c.3970-11_4003del (NM_001353949.2, NM_001353950.2, NM_001353951.2 and 2 more transcripts); c.3919-11_3952del (NM_001353958.2, NM_001353957.2, NM_001165964.3); c.4003-11_4036del (NM_001202435.3, NM_001353948.2); c.3967-11_4000del (NM_001353955.2, NM_001353954.2); c.3916-11_3949del (NM_001353960.2); c.1561-11_1594del (NM_001353961.2); c.4003-11_4036delTTGTGTATTAGGTGGTTGTGAATGCCCTTTTAGGAGCAATTCCAT (NM_001165963.1).
Identifiers: ClinVar variation 578953 (VCV000578953.9), dbSNP rs1559128532, ClinGen allele CA891842568.

ClinVar aggregate classification (germline): Pathogenic (1 of 4 stars; one submission).

Conditions:
Early-infantile DEE. Also called: Early infantile epileptic encephalopathy with suppression bursts; Early infantile epileptic encephalopathy; Ohtahara syndrome. Identifiers: Orphanet 1934, MedGen C0393706, MONDO:0800491.

Submission:

Labcorp Genetics (formerly Invitae), Labcorp
Classification: Pathogenic for Early-infantile DEE. Last evaluated: 2018-03-21. Review status: criteria provided, single submitter. Criteria: Invitae Variant Classification Sherloc (09022015). Collection method: clinical testing. Allele origin: germline.
Comment: This variant is a gross deletion of the genomic region encompassing part of exon 21 of the SCN1A gene, including the intron 20-exon 21 boundary (c.4003-11_4036del). This is expected to create a premature translational stop signal and result in an absent or disrupted protein product. This variant is not present in population databases (ExAC no frequency). This variant has not been reported in the literature in individuals with SCN1A-related disease. Loss-of-function variants in SCN1A are known to be pathogenic (PMID: 17347258, 18930999). For these reasons, this variant has been classified as Pathogenic.

Literature cited by the submitters: PubMed 17347258; PubMed 18930999.